The following is an entry in ClinVar:

NM_000452.3(SLC10A2):c.739A>G (p.Ile247Val)

Gene: SLC10A2 (solute carrier family 10 member 2; minus strand). Cytogenetic location: 13q33.1.
Variant type: single nucleotide variant.
Coding change: c.739A>G on transcript NM_000452.3 (MANE Select); coding-DNA position 739, A replaced by G.
Protein change: p.Ile247Val; replaces isoleucine 247 with valine.
Molecular consequence: missense variant.
Genome position (GRCh38, 1-based): chr13:103,051,279, T>C on the plus strand (A>G on the coding strand, the complement: SLC10A2 is on the minus strand). VCF-style: chr13-103051279-T-C. GRCh37 (hg19) VCF-style: chr13-103703629-T-C.
Other names: short protein forms I247V.
Identifiers: ClinVar variation 4708723 (VCV004708723.1).

ClinVar aggregate classification (germline): Uncertain significance (1 of 4 stars; one submission).

gnomAD v4.1: 57 of 1,613,962 alleles (0.0035%); highest among the groups gnomAD compares: Non-Finnish European, 0.0047%; no homozygotes.

Submission:

Labcorp Genetics (formerly Invitae), Labcorp
Classification: Uncertain significance. Last evaluated: 2025-05-10. Review status: criteria provided, single submitter. Criteria: Invitae Variant Classification Sherloc (09022015). Collection method: clinical testing. Allele origin: germline.
Comment: This sequence change replaces isoleucine, which is neutral and non-polar, with valine, which is neutral and non-polar, at codon 247 of the SLC10A2 protein (p.Ile247Val). This variant is present in population databases (rs200418588, gnomAD 0.003%). This variant has not been reported in the literature in individuals affected with SLC10A2-related conditions. Invitae Evidence Modeling of protein sequence and biophysical properties (such as structural, functional, and spatial information, amino acid conservation, physicochemical variation, residue mobility, and thermodynamic stability) indicates that this missense variant is not expected to disrupt SLC10A2 protein function with a negative predictive value of 80%. In summary, the available evidence is currently insufficient to determine the role of this variant in disease. Therefore, it has been classified as a Variant of Uncertain Significance.